The following is an entry in ClinVar:

ClinVar aggregate classification (germline): Uncertain significance (1 of 4 stars; one submission).

Conditions:
Hereditary sensory and autonomic neuropathy type 7. Also called: Neuropathy, hereditary sensory and autonomic, type VII; HSAN VII. Identifiers: Orphanet 391397, MedGen C3809882, MONDO:0014244, OMIM 615548.
Familial episodic pain syndrome with predominantly lower limb involvement. Also called: Episodic pain syndrome, familial, 3. Identifiers: Orphanet 391384, Orphanet 391392, MedGen C3809899, MONDO:0014247, OMIM 615552.

Allele frequency attached by ClinVar (database versions not stated): ExAC 0.00001.

Submission:

Labcorp Genetics (formerly Invitae), Labcorp
Classification: Uncertain significance for Familial episodic pain syndrome with predominantly lower limb involvement; Hereditary sensory and autonomic neuropathy type 7. Last evaluated: 2024-01-21. Review status: criteria provided, single submitter. Criteria: Invitae Variant Classification Sherloc (09022015). Collection method: clinical testing. Allele origin: germline.
Comment: This sequence change replaces methionine, which is neutral and non-polar, with threonine, which is neutral and polar, at codon 1141 of the SCN11A protein (p.Met1141Thr). This variant is present in population databases (rs755520986, gnomAD 0.003%). This variant has not been reported in the literature in individuals affected with SCN11A-related conditions. Advanced modeling of protein sequence and biophysical properties (such as structural, functional, and spatial information, amino acid conservation, physicochemical variation, residue mobility, and thermodynamic stability) performed at Invitae indicates that this missense variant is not expected to disrupt SCN11A protein function with a negative predictive value of 80%. In summary, the available evidence is currently insufficient to determine the role of this variant in disease. Therefore, it has been classified as a Variant of Uncertain Significance.

NM_001349253.2(SCN11A):c.3422T>C (p.Met1141Thr)

Gene: SCN11A (sodium voltage-gated channel alpha subunit 11; minus strand). Cytogenetic location: 3p22.2.
Variant type: single nucleotide variant.
Coding change: c.3422T>C on transcript NM_001349253.2 (MANE Select); coding-DNA position 3422, T replaced by C.
Protein change: p.Met1141Thr; replaces methionine 1141 with threonine.
Molecular consequence: missense variant.
Genome position (GRCh38, 1-based): chr3:38,872,266, A>G on the plus strand (T>C on the coding strand, the complement: SCN11A is on the minus strand). VCF-style: chr3-38872266-A-G. GRCh37 (hg19) VCF-style: chr3-38913757-A-G.
Other names: c.3422T>C, p.Met1141Thr (NM_014139.3); short protein forms M1141T.
Identifiers: ClinVar variation 2933873 (VCV002933873.3), dbSNP rs755520986, ClinGen allele CA2321790.